The following is an entry in ClinVar:

ClinVar aggregate classification (germline): Pathogenic/Likely pathogenic. Review status: criteria provided, multiple submitters, no conflicts (2 of 4 stars). 5 submissions from 5 submitters: Pathogenic (2); Likely pathogenic (1). 2 of the submissions do not count toward it. Last evaluated 2025-09-02.

Conditions:
Asphyxiating thoracic dystrophy 5 (SRTD5). Also called: SHORT-RIB THORACIC DYSPLASIA 5 WITHOUT POLYDACTYLY; SHORT-RIB THORACIC DYSPLASIA 5 WITH OR WITHOUT POLYDACTYLY. Identifiers: Orphanet 474, MedGen C3280598, MONDO:0013717, OMIM 614376.
Senior-Loken syndrome 8 (SLSN8). Identifiers: Orphanet 3156, MedGen C4225376, MONDO:0014579, OMIM 616307.
Spermatogenic failure 72 (SPGF72). Identifiers: MedGen C5676980, MONDO:0030809, OMIM 619867.
Nephronophthisis 13 (NPHP13). Identifiers: Orphanet 655, MedGen C3280612, MONDO:0013718, OMIM 614377.
Cranioectodermal dysplasia 4 (CED4). Identifiers: Orphanet 1515, MedGen C3280616, MONDO:0013719, OMIM 614378.
WDR19-related disorder. Also called: WDR19-related condition; WDR19-related disorders. Identifiers: MedGen CN380161.

Allele frequency attached by ClinVar (database versions not stated): TOPMed below 0.00001; gnomAD 0.00001; gnomAD exomes 0.00001.
gnomAD v4.1: 9 of 1,554,976 alleles (0.00058%); highest among the groups gnomAD compares: Non-Finnish European, 0.00078%; no homozygotes.

Submissions (5):

Labcorp Genetics (formerly Invitae), Labcorp
Classification: Pathogenic for Senior-Loken syndrome 8; Asphyxiating thoracic dystrophy 5. Last evaluated: 2025-09-02. Review status: criteria provided, single submitter. Criteria: Invitae Variant Classification Sherloc (09022015). Collection method: clinical testing. Allele origin: germline.
Comment: This sequence change replaces phenylalanine, which is neutral and non-polar, with serine, which is neutral and polar, at codon 5 of the WDR19 protein (p.Phe5Ser). This variant is not present in population databases (gnomAD no frequency). This missense change has been observed in individual(s) with clinical features of WDR19-related conditions (PMID: 26489029, 30586318, 38057357; internal data). In at least one individual the data is consistent with being in trans (on the opposite chromosome) from a pathogenic variant. ClinVar contains an entry for this variant (Variation ID: 562401). Invitae Evidence Modeling of protein sequence and biophysical properties (such as structural, functional, and spatial information, amino acid conservation, physicochemical variation, residue mobility, and thermodynamic stability) indicates that this missense variant is expected to disrupt WDR19 protein function with a positive predictive value of 95%. For these reasons, this variant has been classified as Pathogenic.

Fulgent Genetics
Classification: Likely pathogenic for Asphyxiating thoracic dystrophy 5; Nephronophthisis 13; Cranioectodermal dysplasia 4; Senior-Loken syndrome 8; Spermatogenic failure 72. Last evaluated: 2024-01-29. Review status: criteria provided, single submitter. Criteria: ACMG Guidelines, 2015. Collection method: clinical testing. Allele origin: germline.

Blueprint Genetics
Classification: Pathogenic for WDR19-related disorders. Last evaluated: 2023-12-15. Review status: criteria provided, single submitter. Criteria: ACMG Guidelines, 2015. Collection method: clinical testing. Allele origin: germline. Affected: yes. Observed: 4 variant alleles.

Gharavi Laboratory, Columbia University
Classification: Likely pathogenic. Last evaluated: 2018-09-16. Review status: no assertion criteria provided. Criteria: ACMG Guidelines, 2015. Collection method: research. Allele origin: germline. Affected: yes. Not counted in ClinVar's aggregate classification.

Genomics And Bioinformatics Analysis Resource, Columbia University
Classification: Likely pathogenic for Senior-Loken syndrome 8. Review status: no assertion criteria provided. Collection method: research. Allele origin: unknown. Affected: yes. Not counted in ClinVar's aggregate classification.
Comment: Compound Heterozygous

Literature cited by the submitters: PubMed 26489029 (cited by Labcorp Genetics (formerly Invitae), Labcorp); PubMed 30586318 (cited by Labcorp Genetics (formerly Invitae), Labcorp); PubMed 38057357 (cited by Labcorp Genetics (formerly Invitae), Labcorp).

NM_025132.4(WDR19):c.14T>C (p.Phe5Ser)

Gene: WDR19 (WD repeat domain 19; plus strand). Cytogenetic location: 4p14.
Variant type: single nucleotide variant.
Coding change: c.14T>C on transcript NM_025132.4 (MANE Select); coding-DNA position 14, T replaced by C.
Protein change: p.Phe5Ser; replaces phenylalanine 5 with serine.
Molecular consequence: missense variant. On other transcripts: 5 prime UTR variant (1).
Genome position (GRCh38, 1-based): chr4:39,185,733, T>C. VCF-style: chr4-39185733-T-C. GRCh37 (hg19) VCF-style: chr4-39187353-T-C.
Other names: c.-351T>C (NM_001317924.2); short protein forms F5S.
Identifiers: ClinVar variation 562401 (VCV000562401.13), dbSNP rs1237494778, ClinGen allele CA356630223.
Genomic context (GRCh38, chr4:39,185,733, plus strand): 5'-TCAACACTTGATTGTATGTTTTGAAAATATTAAAAATTGTGTTTATTTTTTAGCGTATTT[T>C]CTCACTGCTAGAAAAGACTTGGCTTGGCGCACCAATACAGTTTGCCTGGCAAAAAACATC-3'
Protein context (NP_079408.3, residues 1-15): MKRI[Phe5Ser]SLLEKTWLGA